The following is an entry in ClinVar:

ClinVar aggregate classification (germline): Uncertain significance (1 of 4 stars; one submission).

Conditions:
Hereditary cancer-predisposing syndrome. Also called: Tumor predisposition; Hereditary neoplastic syndrome; Neoplastic Syndromes, Hereditary; Hereditary Cancer Syndrome. Identifiers: Orphanet 140162, MedGen C0027672, MeSH D009386, MONDO:0015356.

Submission:

Ambry Genetics
Classification: Uncertain significance for Hereditary cancer-predisposing syndrome. Last evaluated: 2025-06-02. Review status: criteria provided, single submitter. Criteria: Ambry Variant Classification Scheme 2023. Collection method: clinical testing. Allele origin: germline.
Comment: The p.F770C variant (also known as c.2309T>G), located in coding exon 9 of the AXIN2 gene, results from a T to G substitution at nucleotide position 2309. The phenylalanine at codon 770 is replaced by cysteine, an amino acid with highly dissimilar properties. This amino acid position is conserved. In addition, this alteration is predicted to be deleterious by in silico analysis. Based on the available evidence, the clinical significance of this variant remains unclear.

NM_004655.4(AXIN2):c.2309T>G (p.Phe770Cys)

Gene: AXIN2 (axin 2; minus strand). Cytogenetic location: 17q24.1.
Variant type: single nucleotide variant.
Coding change: c.2309T>G on transcript NM_004655.4 (MANE Select); coding-DNA position 2309, T replaced by G.
Protein change: p.Phe770Cys; replaces phenylalanine 770 with cysteine.
Molecular consequence: missense variant.
Genome position (GRCh38, 1-based): chr17:65,534,008, A>C on the plus strand (T>G on the coding strand, the complement: AXIN2 is on the minus strand). VCF-style: chr17-65534008-A-C. GRCh37 (hg19) VCF-style: chr17-63530126-A-C.
Other names: c.2114T>G, p.Phe705Cys (NM_001363813.1); short protein forms F770C, F705C.
Identifiers: ClinVar variation 3981250 (VCV003981250.1).
Genomic context (GRCh38, chr17:65,534,008, plus strand): 5'-TGGCCCAGGGTCAAGCTCTGAGCCTTCAGCATCCTCCGGTATGGAATTTCTTCCCCACAG[A>C]AAAAGTAAGTGACAACCAACTCACTGGCCTGGAGCGCGTGGACACCTGCCAGTTTCTTTG-3'
Protein context (NP_004646.3, residues 760-780): QASELVVTYF[Phe770Cys]CGEEIPYRRM